The following is an entry in ClinVar:

NM_001277115.2(DNAH11):c.8770G>A (p.Val2924Met)

Gene: DNAH11 (dynein axonemal heavy chain 11; plus strand). Cytogenetic location: 7p15.3.
Variant type: single nucleotide variant.
Coding change: c.8770G>A on transcript NM_001277115.2 (MANE Select); coding-DNA position 8770, G replaced by A.
Protein change: p.Val2924Met; replaces valine 2924 with methionine.
Molecular consequence: missense variant.
Genome position (GRCh38, 1-based): chr7:21,749,774, G>A. VCF-style: chr7-21749774-G-A. GRCh37 (hg19) VCF-style: chr7-21789392-G-A.
Other names: short protein forms V2924M.
Identifiers: ClinVar variation 163115 (VCV000163115.15), dbSNP rs72657369, ClinGen allele CA175738.
Genomic context (GRCh38, chr7:21,749,774, plus strand): 5'-AAGAACATGCCCACTGTGTTCCTGCTGACAGATGCCCAGGTTCTAGATGAGAGCTTCCTC[G>A]TGCTGATTAATGACTTGCTGGCATCAGGTGATTAAACCAACACATTTCTTGAAAGATCTT-3'
Protein context (NP_001264044.1, residues 2914-2934): DAQVLDESFL[Val2924Met]LINDLLASGE

ClinVar aggregate classification (germline): Likely benign. Review status: criteria provided, multiple submitters, no conflicts (2 of 4 stars). 4 submissions from 4 submitters: Likely benign (4). Last evaluated 2026-01-28.

Conditions:
Primary ciliary dyskinesia. Also called: Ciliary dyskinesia. Identifiers: Orphanet 244, MedGen C0008780, MONDO:0016575, HP:0012265.

Allele frequency attached by ClinVar (database versions not stated): ESP Exome Variant Server 0.00016; gnomAD 0.00017 and 0.00018; TOPMed 0.00022.
gnomAD v4.1: 248 of 1,613,772 alleles (0.015%); highest among the groups gnomAD compares: Non-Finnish European, 0.018%; 1 homozygote.

Submissions (4):

Labcorp Genetics (formerly Invitae), Labcorp
Classification: Likely benign for Primary ciliary dyskinesia. Last evaluated: 2026-01-28. Review status: criteria provided, single submitter. Criteria: Invitae Variant Classification Sherloc (09022015). Collection method: clinical testing. Allele origin: germline.

Blueprint Genetics
Classification: Likely benign. Last evaluated: 2024-07-26. Review status: criteria provided, single submitter. Criteria: ACMG Guidelines, 2015. Collection method: clinical testing. Allele origin: germline.

Ambry Genetics
Classification: Likely benign for Primary ciliary dyskinesia. Last evaluated: 2022-03-29. Review status: criteria provided, single submitter. Criteria: Ambry Variant Classification Scheme 2023. Collection method: clinical testing. Allele origin: germline.

Laboratory for Molecular Medicine, Mass General Brigham Personalized Medicine
Classification: Likely benign. Last evaluated: 2017-07-27. Review status: criteria provided, single submitter. Criteria: LMM Criteria. Collection method: clinical testing. Allele origin: germline. Observed: 2 variant alleles.
Comment: p.Val2924Met in exon 53 of DNAH11: This variant is not expected to have clinica l significance because the valine (Val) residue at this position is not well con served across evolutionarily distant species, and the variant residue (Met) has been identified in five mammalian species (gorilla, Rhesus macaque, crab-eating macaque, baboon and green monkey). It has been identified in 32/126528 European chromosomes by the Genome Aggregation Database (gnomAD; dbSNP rs72657369).